The following is an entry in ClinVar:

ClinVar aggregate classification (germline): Uncertain significance (1 of 4 stars; one submission).

Conditions:
Progressive myoclonic epilepsy type 9. Identifiers: Orphanet 457265, MedGen C4225289, MONDO:0014685, OMIM 616540.
Lipodystrophy, partial, acquired, susceptibility to (APLD). Also called: APLD, SUSCEPTIBILITY TO. Identifiers: MedGen C3887501, MONDO:0100476, OMIM 608709.

Allele frequency attached by ClinVar (database versions not stated): gnomAD exomes below 0.00001.
gnomAD v4.1: 1 of 1,608,866 alleles (0.000062%); highest among the groups gnomAD compares: Admixed American, 0.0017%; no homozygotes.

Submission:

Labcorp Genetics (formerly Invitae), Labcorp
Classification: Uncertain significance for Progressive myoclonic epilepsy type 9; Lipodystrophy, partial, acquired, susceptibility to. Last evaluated: 2023-04-27. Review status: criteria provided, single submitter. Criteria: Invitae Variant Classification Sherloc (09022015). Collection method: clinical testing. Allele origin: germline.
Comment: This variant is not present in population databases (gnomAD no frequency). This variant has not been reported in the literature in individuals affected with LMNB2-related conditions. Advanced modeling of protein sequence and biophysical properties (such as structural, functional, and spatial information, amino acid conservation, physicochemical variation, residue mobility, and thermodynamic stability) has been performed at Invitae for this missense variant, however the output from this modeling did not meet the statistical confidence thresholds required to predict the impact of this variant on LMNB2 protein function. In summary, the available evidence is currently insufficient to determine the role of this variant in disease. Therefore, it has been classified as a Variant of Uncertain Significance. This sequence change replaces leucine, which is neutral and non-polar, with phenylalanine, which is neutral and non-polar, at codon 317 of the LMNB2 protein (p.Leu317Phe).

NM_032737.4(LMNB2):c.949C>T (p.Leu317Phe)

Gene: LMNB2 (lamin B2; minus strand). Cytogenetic location: 19p13.3.
Variant type: single nucleotide variant.
Coding change: c.949C>T on transcript NM_032737.4 (MANE Select); coding-DNA position 949, C replaced by T.
Protein change: p.Leu317Phe; replaces leucine 317 with phenylalanine.
Molecular consequence: missense variant.
Genome position (GRCh38, 1-based): chr19:2,434,820, G>A on the plus strand (C>T on the coding strand, the complement: LMNB2 is on the minus strand). VCF-style: chr19-2434820-G-A. GRCh37 (hg19) VCF-style: chr19-2434818-G-A.
Other names: short protein forms L317F.
Identifiers: ClinVar variation 2936375 (VCV002936375.3), dbSNP rs2512236169, ClinGen allele CA403254777.
Genomic context (GRCh38, chr19:2,434,820, plus strand): 5'-CGGCAGACGGTGGCGCTGTGCTCATCACCTGCTTCTGGAGGCCGGAGAGCTGGTAGCTGA[G>A]GGACTCCAGGCGCATGCGGGCCTCCTTCAGCTCCTCGCGAGCCGCACTGGCCGCCTTGTC-3'
Protein context (NP_116126.3, residues 307-327): LKEARMRLES[Leu317Phe]SYQLSGLQKQ